The following is an entry in ClinVar:

ClinVar aggregate classification (germline): Uncertain significance. Review status: criteria provided, multiple submitters, no conflicts (2 of 4 stars). 2 submissions from 2 submitters: Uncertain significance (2). Last evaluated 2025-07-30.

Conditions:
Inborn genetic diseases. Identifiers: MedGen C0950123, MeSH D030342.

Allele frequency attached by ClinVar (database versions not stated): gnomAD 0.00001.

Submissions (2):

Ambry Genetics
Classification: Uncertain significance for Inborn genetic diseases. Last evaluated: 2025-07-30. Review status: criteria provided, single submitter. Criteria: Ambry Variant Classification Scheme 2023. Collection method: clinical testing. Allele origin: germline.

Labcorp Genetics (formerly Invitae), Labcorp
Classification: Uncertain significance. Last evaluated: 2023-08-24. Review status: criteria provided, single submitter. Criteria: Invitae Variant Classification Sherloc (09022015). Collection method: clinical testing. Allele origin: germline.
Comment: In summary, the available evidence is currently insufficient to determine the role of this variant in disease. Therefore, it has been classified as a Variant of Uncertain Significance. Advanced modeling of protein sequence and biophysical properties (such as structural, functional, and spatial information, amino acid conservation, physicochemical variation, residue mobility, and thermodynamic stability) performed at Invitae indicates that this missense variant is not expected to disrupt P3H2 protein function. ClinVar contains an entry for this variant (Variation ID: 1506886). This variant has not been reported in the literature in individuals affected with P3H2-related conditions. This variant is not present in population databases (gnomAD no frequency). This sequence change replaces isoleucine, which is neutral and non-polar, with threonine, which is neutral and polar, at codon 435 of the P3H2 protein (p.Ile435Thr).

NM_018192.4(P3H2):c.1304T>C (p.Ile435Thr)

Gene: P3H2 (prolyl 3-hydroxylase 2; minus strand). Cytogenetic location: 3q28.
Variant type: single nucleotide variant.
Coding change: c.1304T>C on transcript NM_018192.4 (MANE Select); coding-DNA position 1304, T replaced by C.
Protein change: p.Ile435Thr; replaces isoleucine 435 with threonine.
Molecular consequence: missense variant.
Genome position (GRCh38, 1-based): chr3:189,983,066, A>G on the plus strand (T>C on the coding strand, the complement: P3H2 is on the minus strand). VCF-style: chr3-189983066-A-G. GRCh37 (hg19) VCF-style: chr3-189700855-A-G.
Other names: c.761T>C, p.Ile254Thr (NM_001134418.2); c.1304T>C (NM_018192.3); short protein forms I435T, I254T.
Identifiers: ClinVar variation 1506886 (VCV001506886.7), dbSNP rs1577253570, ClinGen allele CA355756158.